The following is an entry in ClinVar:

NM_000043.6(FAS):c.498del (p.Glu167fs)

Gene: FAS (Fas cell surface death receptor; plus strand). Cytogenetic location: 10q23.31.
Variant type: Deletion.
Coding change: c.498del on transcript NM_000043.6 (MANE Select); coding-DNA position 498, one base deleted (A; older notation c.498delA).
Protein change: p.Glu167fs; shifts the reading frame from glutamic acid 167.
Molecular consequence: frameshift variant. On other transcripts: non-coding transcript variant (7).
Genome position (GRCh38, 1-based): chr10:89,010,593, A deleted; the last of 3 consecutive A bases (chr10:89,010,591-89,010,593); deleting any one gives the same sequence. VCF-style (leftmost placement, unchanged base first): chr10-89010590-CA-C. GRCh37 (hg19) VCF-style: chr10-90770347-CA-C.
Other names: c.498del, p.Glu167fs (NM_001320619.2, NM_152871.4, NM_152872.4); c.543delA, p.Glu182Argfs (NM_001410956.1); short protein forms E167fs.
Identifiers: ClinVar variation 2005553 (VCV002005553.4), dbSNP rs2495155336, ClinGen allele CA2580082325.

ClinVar aggregate classification (germline): Pathogenic (1 of 4 stars; one submission).

Conditions:
Autoimmune lymphoproliferative syndrome type 1. Also called: AUTOIMMUNE LYMPHOPROLIFERATIVE SYNDROME, TYPE I, AUTOSOMAL DOMINANT. Identifiers: Orphanet 3261, MedGen C2717884, MONDO:0011158, OMIM 601859.

Submission:

Labcorp Genetics (formerly Invitae), Labcorp
Classification: Pathogenic for Autoimmune lymphoproliferative syndrome. Last evaluated: 2022-08-19. Review status: criteria provided, single submitter. Criteria: Invitae Variant Classification Sherloc (09022015). Collection method: clinical testing. Allele origin: germline.
Comment: For these reasons, this variant has been classified as Pathogenic. This variant has not been reported in the literature in individuals affected with FAS-related conditions. This variant is not present in population databases (gnomAD no frequency). This sequence change creates a premature translational stop signal (p.Glu167Argfs*20) in the FAS gene. It is expected to result in an absent or disrupted protein product. Loss-of-function variants in FAS are known to be pathogenic (PMID: 10875918, 22237435).

Literature cited by the submitters: PubMed 10875918; PubMed 22237435.